The following is an entry in ClinVar:

ClinVar aggregate classification (germline): Likely benign (1 of 4 stars; one submission).

Allele frequency attached by ClinVar (database versions not stated): 1000 Genomes Project 0.00040; 1000 Genomes Project 30x 0.00062; ExAC 0.00066; gnomAD 0.00149; TOPMed 0.00151; gnomAD exomes 0.00258.
gnomAD v4.1: 3,827 of 1,550,354 alleles (0.25%); highest among the groups gnomAD compares: Non-Finnish European, 0.3%; 1 homozygote.

Submissions (7):

CeGaT Center for Human Genetics Tuebingen
Classification: Likely benign. Last evaluated: 2026-07-01. Review status: criteria provided, single submitter. Criteria: CeGaT Center For Human Genetics Tuebingen Variant Classification Criteria Version 2. Collection method: clinical testing. Allele origin: germline. Affected: yes. Observed: 6 variant alleles.
Comment: MDH1: BP4

Dr. Peter K. Rogan Lab, Western University
No classification provided (evidence only). Condition: Acute myeloid leukemia. Review status: no classification provided. Collection method: in vitro. Allele origin: not applicable. Functional consequence: retained intron. Not counted in ClinVar's aggregate classification.

Dr. Peter K. Rogan Lab, Western University
No classification provided (evidence only). Condition: Sarcoma. Review status: no classification provided. Collection method: in vitro. Allele origin: not applicable. Functional consequence: retained intron. Not counted in ClinVar's aggregate classification.

Dr. Peter K. Rogan Lab, Western University
No classification provided (evidence only). Condition: Malignant tumor of esophagus. Review status: no classification provided. Collection method: in vitro. Allele origin: not applicable. Functional consequence: retained intron. Not counted in ClinVar's aggregate classification.

Dr. Peter K. Rogan Lab, Western University
No classification provided (evidence only). Condition: Chronic lymphocytic leukemia/small lymphocytic lymphoma. Review status: no classification provided. Collection method: in vitro. Allele origin: not applicable. Functional consequence: retained intron. Not counted in ClinVar's aggregate classification.

Dr. Peter K. Rogan Lab, Western University
No classification provided (evidence only). Condition: Chronic lymphocytic leukemia/small lymphocytic lymphoma. Review status: no classification provided. Collection method: in vitro. Allele origin: not applicable. Functional consequence: retained intron. Not counted in ClinVar's aggregate classification.

Dr. Peter K. Rogan Lab, Western University
No classification provided (evidence only). Condition: Lymphoma. Review status: no classification provided. Collection method: in vitro. Allele origin: not applicable. Functional consequence: retained intron. Not counted in ClinVar's aggregate classification.

NM_005917.4(MDH1):c.3+346A>G

Genes: MDH1 (malate dehydrogenase 1; plus strand), WDPCP (WD repeat containing planar cell polarity effector; minus strand). Cytogenetic location: 2p15.
Variant type: single nucleotide variant.
Coding change: c.3+346A>G on transcript NM_005917.4 (MANE Select); 346 bases into the intron after coding-DNA position 3, A replaced by G.
Molecular consequence: intron variant.
Genome position (GRCh38, 1-based): chr2:63,589,392, A>G. VCF-style: chr2-63589392-A-G. GRCh37 (hg19) VCF-style: chr2-63816526-A-G.
Other names: NC_000002.11:g.63816526A>G; c.3+346A>G (NM_001316374.2); c.57+8A>G (NM_001199111.2); c.-168+8A>G (NM_001199112.2).
Identifiers: ClinVar variation 3067236 (VCV003067236.22), dbSNP rs201758772, ClinGen allele CA1682700.